The following is an entry in ClinVar:

NC_000023.10:g.(?_48368209)_(51241672_?)dup

Genes: CCNB3 (cyclin B3; plus strand), GAGE1 (G antigen 1; plus strand), GAGE12B (G antigen 12B; plus strand), GAGE12C (G antigen 12C; plus strand), GAGE12D (G antigen 12D; plus strand) and 57 more. Cytogenetic location: Xp11.23-11.22.
Variant type: Duplication.
Identifiers: ClinVar variation 2422979 (VCV002422979.5).

ClinVar aggregate classification (germline): Uncertain significance. Review status: criteria provided, single submitter (1 of 4 stars). 3 submissions from 1 submitter: Uncertain significance (3). Last evaluated 2023-11-27.

Conditions:
Wiskott-Aldrich syndrome (WAS). Also called: ALDRICH SYNDROME; IMMUNODEFICIENCY 2; WISKOTT-ALDRICH SYNDROME 1; Wiskott-aldrich syndrome, somatic. Identifiers: Orphanet 906, MedGen C0043194, MONDO:0010518, OMIM 301000.
Thrombocytopenia 1. Also called: X-Linked Thrombocytopenia (XLT); THROMBOCYTOPENIA, X-LINKED, 1; X-linked thrombocytopenia with normal platelets. Identifiers: Orphanet 268322, Orphanet 852, MedGen C1839163, MONDO:0010743, OMIM 313900.
X-linked severe congenital neutropenia (SCNX). Identifiers: Orphanet 86788, MedGen C1845987, MONDO:0010294, OMIM 300299.
Neurodegeneration with brain iron accumulation 5 (NBIA5). Also called: STATIC ENCEPHALOPATHY OF CHILDHOOD WITH NEURODEGENERATION IN ADULTHOOD; Beta-propeller protein-associated neurodegeneration. Identifiers: Orphanet 329284, MedGen C3550973, MONDO:0010476, OMIM 300894.
SLC35A2-congenital disorder of glycosylation. Also called: CDG IIm; CONGENITAL DISORDER OF GLYCOSYLATION, TYPE IIm, SOMATIC MOSAIC; CONGENITAL DISORDER OF GLYCOSYLATION, TYPE IIm; SLC35A2-CDG; EPILEPTIC ENCEPHALOPATHY, EARLY INFANTILE, 22; DEVELOPMENTAL AND EPILEPTIC ENCEPHALOPATHY 22. Identifiers: Orphanet 356961, MedGen C3806688, MONDO:0010478, OMIM 300896.

Submissions (3):

Labcorp Genetics (formerly Invitae), Labcorp
Classification: Uncertain significance for Neurodegeneration with brain iron accumulation 5. Last evaluated: 2023-11-27. Review status: criteria provided, single submitter. Criteria: Invitae Variant Classification Sherloc (09022015). Collection method: clinical testing. Allele origin: unknown.
Comment: A copy number gain of the genomic region encompassing the full coding sequence of the WDR45 gene has been identified. The boundaries of this event are unknown as they extend beyond the assayed region for this gene and therefore may encompass additional genes. As the precise location of this event is unknown, it may be in tandem or it may be located elsewhere in the genome. This variant has not been reported in the literature in individuals affected with WDR45-related conditions. In summary, the available evidence is currently insufficient to determine the role of this variant in disease. Therefore, it has been classified as a Variant of Uncertain Significance.

Labcorp Genetics (formerly Invitae), Labcorp
Classification: Uncertain significance for SLC35A2-congenital disorder of glycosylation. Last evaluated: 2023-11-27. Review status: criteria provided, single submitter. Criteria: Invitae Variant Classification Sherloc (09022015). Collection method: clinical testing. Allele origin: unknown.
Comment: A copy number gain of the genomic region encompassing the full coding sequence of the SLC35A2 gene has been identified. The boundaries of this event are unknown as they extend beyond the assayed region for this gene and therefore may encompass additional genes. As the precise location of this event is unknown, it may be in tandem or it may be located elsewhere in the genome. This variant has not been reported in the literature in individuals affected with SLC35A2-related conditions. In summary, the available evidence is currently insufficient to determine the role of this variant in disease. Therefore, it has been classified as a Variant of Uncertain Significance.

Labcorp Genetics (formerly Invitae), Labcorp
Classification: Uncertain significance for Wiskott-Aldrich syndrome; X-linked severe congenital neutropenia; Thrombocytopenia 1. Last evaluated: 2021-12-19. Review status: criteria provided, single submitter. Criteria: Invitae Variant Classification Sherloc (09022015). Collection method: clinical testing. Allele origin: germline.
Comment: A copy number gain of the genomic region encompassing the full coding sequence of the WAS gene has been identified. The boundaries of this event are unknown as they extend beyond the assayed region for this gene and therefore may encompass additional genes. As the precise location of this event is unknown, it may be in tandem or it may be located elsewhere in the genome. This variant has not been reported in the literature in individuals affected with WAS-related conditions. In summary, the available evidence is currently insufficient to determine the role of this variant in disease. Therefore, it has been classified as a Variant of Uncertain Significance.